The following is an entry in ClinVar:

ClinVar aggregate classification (germline): Likely benign (1 of 4 stars; one submission).

Conditions:
ROBO3-related disorder. Also called: ROBO3-related condition.

gnomAD v4.1: 16 of 1,604,804 alleles (0.001%); highest among the groups gnomAD compares: African/African-American, 0.0027%; no homozygotes.

Submission:

PreventionGenetics, part of Exact Sciences
Classification: Likely benign for ROBO3-related condition. Last evaluated: 2026-04-16. Review status: criteria provided, single submitter. Criteria: ACMG Guidelines, 2015. Collection method: clinical testing. Allele origin: germline.
Comment: This variant is classified as likely benign based on ACMG/AMP sequence variant interpretation guidelines (Richards et al. 2015 PMID: 25741868, with internal and published modifications).

NM_022370.4(ROBO3):c.1952-8G>A

Gene: ROBO3 (roundabout guidance receptor 3; plus strand). Cytogenetic location: 11q24.2.
Variant type: single nucleotide variant.
Coding change: c.1952-8G>A on transcript NM_022370.4 (MANE Select); 8 bases into the intron before coding-DNA position 1952, G replaced by A.
Molecular consequence: intron variant.
Genome position (GRCh38, 1-based): chr11:124,874,780, G>A. VCF-style: chr11-124874780-G-A. GRCh37 (hg19) VCF-style: chr11-124744676-G-A.
Identifiers: ClinVar variation 4979965 (VCV004979965.1).